The following is an entry in ClinVar:

NM_000383.4(AIRE):c.1064C>T (p.Pro355Leu)

Gene: AIRE (autoimmune regulator; plus strand). Cytogenetic location: 21q22.3.
Variant type: single nucleotide variant.
Coding change: c.1064C>T on transcript NM_000383.4 (MANE Select); coding-DNA position 1064, C replaced by T.
Protein change: p.Pro355Leu; replaces proline 355 with leucine.
Molecular consequence: missense variant.
Genome position (GRCh38, 1-based): chr21:44,292,370, C>T. VCF-style: chr21-44292370-C-T. GRCh37 (hg19) VCF-style: chr21-45712253-C-T.
Other names: short protein forms P355L.
Identifiers: ClinVar variation 2064083 (VCV002064083.1), dbSNP rs370821895, ClinGen allele CA10051908.
Genomic context (GRCh38, chr21:44,292,370, plus strand): 5'-GGAGGTGCTCCAGCTGCCTGCAGGCAACAGTCCAGGAGGTGCAGCCCCGGGCAGAGGAGC[C>T]CCGGCCCCAGGAGCCACCCGTGGAGACCCCGGTATGGCCACGCCCCCTCCTAGCCGGGCC-3'
Protein context (NP_000374.1, residues 345-365): VQEVQPRAEE[Pro355Leu]RPQEPPVETP

ClinVar aggregate classification (germline): Uncertain significance (1 of 4 stars; one submission).

Conditions:
Polyglandular autoimmune syndrome, type 1 (APS1). Also called: Autoimmune polyendocrinopathy syndrome , type I, with or without reversible metaphyseal dysplasia; Autoimmune polyendocrine syndrome type 1; HYPOADRENOCORTICISM WITH HYPOPARATHYROIDISM AND SUPERFICIAL MONILIASIS; Autoimmune polyendocrinopathy syndrome, type I; AUTOIMMUNE POLYENDOCRINE SYNDROME, TYPE I, WITH OR WITHOUT REVERSIBLE METAPHYSEAL DYSPLASIA; APS I. Identifiers: Orphanet 3453, MedGen C0085859, MONDO:0009411, OMIM 240300.

Allele frequency attached by ClinVar (database versions not stated): gnomAD exomes below 0.00001; gnomAD 0.00002; TOPMed 0.00002; ESP Exome Variant Server 0.00008; ExAC 0.00014; 1000 Genomes Project 30x 0.00016; 1000 Genomes Project 0.00020.
gnomAD v4.1: 10 of 1,563,540 alleles (0.00064%); highest among the groups gnomAD compares: Non-Finnish European, 0.00069%; no homozygotes.

Submission:

Labcorp Genetics (formerly Invitae), Labcorp
Classification: Uncertain significance for Polyglandular autoimmune syndrome, type 1. Last evaluated: 2022-09-21. Review status: criteria provided, single submitter. Criteria: Invitae Variant Classification Sherloc (09022015). Collection method: clinical testing. Allele origin: germline.
Comment: This sequence change replaces proline, which is neutral and non-polar, with leucine, which is neutral and non-polar, at codon 355 of the AIRE protein (p.Pro355Leu). The frequency data for this variant in the population databases is considered unreliable, as metrics indicate poor data quality at this position in the gnomAD database. This variant has not been reported in the literature in individuals affected with AIRE-related conditions. Advanced modeling of protein sequence and biophysical properties (such as structural, functional, and spatial information, amino acid conservation, physicochemical variation, residue mobility, and thermodynamic stability) performed at Invitae indicates that this missense variant is not expected to disrupt AIRE protein function. In summary, the available evidence is currently insufficient to determine the role of this variant in disease. Therefore, it has been classified as a Variant of Uncertain Significance.